The following is an entry in ClinVar:

NM_139343.3(BIN1):c.839C>T (p.Thr280Met)

Gene: BIN1 (bridging integrator 1; minus strand). Cytogenetic location: 2q14.3.
Variant type: single nucleotide variant.
Coding change: c.839C>T on transcript NM_139343.3 (MANE Select); coding-DNA position 839, C replaced by T.
Protein change: p.Thr280Met; replaces threonine 280 with methionine.
Molecular consequence: missense variant.
Genome position (GRCh38, 1-based): chr2:127,062,133, G>A on the plus strand (C>T on the coding strand, the complement: BIN1 is on the minus strand). VCF-style: chr2-127062133-G-A. GRCh37 (hg19) VCF-style: chr2-127819709-G-A.
Other names: c.746C>T, p.Thr249Met (NM_001320632.2, NM_001320641.2, NM_004305.4 and 6 more transcripts); c.839C>T, p.Thr280Met (NM_001320633.2, NM_001320640.2, NM_139344.3 and 1 more transcripts); c.674C>T, p.Thr225Met (NM_001320634.1); c.758C>T, p.Thr253Met (NM_001320642.1); short protein forms T280M, T249M, T225M, T253M.
Identifiers: ClinVar variation 530864 (VCV000530864.10), dbSNP rs201872255, ClinGen allele CA1857311.

ClinVar aggregate classification (germline): Uncertain significance (1 of 4 stars; one submission).

Conditions:
Myopathy, centronuclear, 2 (CNM2). Also called: MYOTUBULAR MYOPATHY, AUTOSOMAL RECESSIVE. Identifiers: Orphanet 169186, MedGen CN031787, MONDO:0009709, OMIM 255200.

Allele frequency attached by ClinVar (database versions not stated): gnomAD 0.00004 and 0.00005; 1000 Genomes Project 30x 0.00031; gnomAD exomes 0.00002 and 0.00001; 1000 Genomes Project 0.00040; TOPMed 0.00001; ExAC 0.00004.
gnomAD v4.1: 28 of 1,609,902 alleles (0.0017%); highest among the groups gnomAD compares: Admixed American, 0.0067%; no homozygotes.

Submission:

Labcorp Genetics (formerly Invitae), Labcorp
Classification: Uncertain significance for Myopathy, centronuclear, 2. Last evaluated: 2025-01-13. Review status: criteria provided, single submitter. Criteria: Invitae Variant Classification Sherloc (09022015). Collection method: clinical testing. Allele origin: germline.
Comment: This sequence change replaces threonine, which is neutral and polar, with methionine, which is neutral and non-polar, at codon 280 of the BIN1 protein (p.Thr280Met). The frequency data for this variant in the population databases is considered unreliable, as metrics indicate poor data quality at this position in the gnomAD database. This variant has not been reported in the literature in individuals affected with BIN1-related conditions. ClinVar contains an entry for this variant (Variation ID: 530864). Invitae Evidence Modeling of protein sequence and biophysical properties (such as structural, functional, and spatial information, amino acid conservation, physicochemical variation, residue mobility, and thermodynamic stability) indicates that this missense variant is not expected to disrupt BIN1 protein function with a negative predictive value of 80%. In summary, the available evidence is currently insufficient to determine the role of this variant in disease. Therefore, it has been classified as a Variant of Uncertain Significance.